The following is an entry in ClinVar:

NM_006910.5(RBBP6):c.3998T>G (p.Val1333Gly)

Gene: RBBP6 (RB binding protein 6, ubiquitin ligase; plus strand). Cytogenetic location: 16p12.1.
Variant type: single nucleotide variant.
Coding change: c.3998T>G on transcript NM_006910.5 (MANE Select); coding-DNA position 3998, T replaced by G.
Protein change: p.Val1333Gly; replaces valine 1333 with glycine.
Molecular consequence: missense variant.
Genome position (GRCh38, 1-based): chr16:24,571,064, T>G. VCF-style: chr16-24571064-T-G. GRCh37 (hg19) VCF-style: chr16-24582385-T-G.
Other names: c.3896T>G, p.Val1299Gly (NM_018703.4); short protein forms V1299G, V1333G.
Identifiers: ClinVar variation 1337933 (VCV001337933.4), dbSNP rs1007657452, ClinGen allele CA279582451.

ClinVar aggregate classification (germline): Uncertain significance (1 of 4 stars; one submission).

Allele frequency attached by ClinVar (database versions not stated): TOPMed below 0.00001.

Submission:

Genetic Services Laboratory, University of Chicago
Classification: Uncertain significance. Last evaluated: 2021-05-03. Review status: criteria provided, single submitter. Criteria: ACMG Guidelines, 2015. Collection method: clinical testing. Allele origin: germline. Affected: no.
Comment: DNA sequence analysis of the RBBP6 gene demonstrated a sequence change, c.3998T>G, in exon 18 that results in an amino acid change, p.Val1333Gly. This sequence change is absent from known population databases (gnomAD). The p.Val1333Gly change affects a moderately conserved amino acid residue located in a domain of the RBBP6 protein that is not known to be functional. In-silico pathogenicity prediction tools (SIFT, PolyPhen2, Align GVGD, REVEL) provide contradictory results for the p.Val1333Gly substitution. This sequence change does not appear to have been previously described in patients with RBBP6-related disorders and has also not been described as a known benign sequence change in the RBBP6 gene. Due to the lack of sufficient evidences, the clinical significance of the p.Val1333Gly change remains unknown at this time.